The following is an entry in ClinVar:

NM_001013838.3(CARMIL2):c.3249dup (p.Glu1084Ter)

Gene: CARMIL2 (capping protein regulator and myosin 1 linker 2; plus strand). Cytogenetic location: 16q22.1.
Variant type: Duplication.
Coding change: c.3249dup on transcript NM_001013838.3 (MANE Select); coding-DNA position 3249, one base duplicated (T; older notation c.3249dupT).
Protein change: p.Glu1084Ter; replaces glutamic acid 1084 with a stop codon.
Molecular consequence: nonsense.
Genome position (GRCh38, 1-based): chr16:67,654,359, T duplicated. VCF-style (leftmost placement, unchanged base first): chr16-67654358-C-CT. GRCh37 (hg19) VCF-style: chr16-67688261-C-CT.
Other names: c.3141dup, p.Glu1048Ter (NM_001317026.3, NM_001438244.1, NM_001438835.1); short protein forms E1048*, E1084*.
Identifiers: ClinVar variation 5005616 (VCV005005616.2).

ClinVar aggregate classification (germline): Likely pathogenic (1 of 4 stars; one submission).

Conditions:
Severe combined immunodeficiency due to CARMIL2 deficiency. Also called: IMMUNODEFICIENCY 58. Identifiers: Orphanet 542301, MedGen C4748304, MONDO:0029134, OMIM 618131.

Submission:

Juno Genomics, Hangzhou Juno Genomics, Inc
Classification: Likely pathogenic for Severe combined immunodeficiency due to CARMIL2 deficiency. Review status: criteria provided, single submitter. Criteria: ACMG Guidelines, 2015. Collection method: clinical testing. Allele origin: germline.
Comment: Null variant in a gene where loss of function (LOF) is a known mechanism of disease.;Absent from controls (or at extremely low frequency if recessive) in Genome Aggregation Database.